The following is an entry in ClinVar:

ClinVar aggregate classification (germline): Uncertain significance. Review status: criteria provided, multiple submitters, no conflicts (2 of 4 stars). 3 submissions from 3 submitters: Uncertain significance (3). Last evaluated 2025-04-22.

Conditions:
Cardiovascular phenotype. Identifiers: MedGen CN230736.
Hypertrophic cardiomyopathy 14. Identifiers: MedGen C2750467, MONDO:0013197, OMIM 613251.
Dilated cardiomyopathy 1EE (CMD1EE). Identifiers: Orphanet 154, MedGen C2750466, MONDO:0013198, OMIM 613252.
Atrial septal defect 3 (ASD3). Identifiers: Orphanet 1478, MedGen C3279790, MONDO:0013567, OMIM 614089.
Hypertrophic cardiomyopathy 1 (CMH1). Also called: Familial hypertrophic cardiomyopathy 1; MYH7-Related Familial Hypertrophic Cardiomyopathy. Identifiers: MedGen C3495498, MONDO:0008647, OMIM 192600.
Sick sinus syndrome 3, susceptibility to (SSS3). Identifiers: Orphanet 166282, MedGen C3279791, MONDO:0013568, OMIM 614090.

Allele frequency attached by ClinVar (database versions not stated): gnomAD exomes below 0.00001; TOPMed below 0.00001; ExAC 0.00001; gnomAD 0.00001.
gnomAD v4.1: 8 of 1,614,110 alleles (0.0005%); highest among the groups gnomAD compares: Non-Finnish European, 0.00068%; no homozygotes.

Submissions (3):

Labcorp Genetics (formerly Invitae), Labcorp
Classification: Uncertain significance for Hypertrophic cardiomyopathy 14. Last evaluated: 2025-04-22. Review status: criteria provided, single submitter. Criteria: Invitae Variant Classification Sherloc (09022015). Collection method: clinical testing. Allele origin: germline.
Comment: This sequence change replaces glycine, which is neutral and non-polar, with alanine, which is neutral and non-polar, at codon 859 of the MYH6 protein (p.Gly859Ala). This variant is present in population databases (rs779528748, gnomAD 0.0009%). This variant has not been reported in the literature in individuals affected with MYH6-related conditions. ClinVar contains an entry for this variant (Variation ID: 537946). Invitae Evidence Modeling of protein sequence and biophysical properties (such as structural, functional, and spatial information, amino acid conservation, physicochemical variation, residue mobility, and thermodynamic stability) indicates that this missense variant is not expected to disrupt MYH6 protein function with a negative predictive value of 80%. In summary, the available evidence is currently insufficient to determine the role of this variant in disease. Therefore, it has been classified as a Variant of Uncertain Significance.

Fulgent Genetics
Classification: Uncertain significance for Hypertrophic cardiomyopathy 1; Hypertrophic cardiomyopathy 14; Dilated cardiomyopathy 1EE; Atrial septal defect 3; Sick sinus syndrome 3, susceptibility to. Last evaluated: 2021-07-23. Review status: criteria provided, single submitter. Criteria: ACMG Guidelines, 2015. Collection method: clinical testing. Allele origin: unknown.

Ambry Genetics
Classification: Uncertain significance for Cardiovascular phenotype. Last evaluated: 2021-04-21. Review status: criteria provided, single submitter. Criteria: Ambry Variant Classification Scheme 2023. Collection method: clinical testing. Allele origin: germline.
Comment: The p.G859A variant (also known as c.2576G>C), located in coding exon 19 of the MYH6 gene, results from a G to C substitution at nucleotide position 2576. The glycine at codon 859 is replaced by alanine, an amino acid with similar properties. This amino acid position is not well conserved in available vertebrate species. In addition, this alteration is predicted to be tolerated by in silico analysis. Since supporting evidence is limited at this time, the clinical significance of this alteration remains unclear.

NM_002471.4(MYH6):c.2576G>C (p.Gly859Ala)

Gene: MYH6 (myosin heavy chain 6; minus strand). Cytogenetic location: 14q11.2.
Variant type: single nucleotide variant.
Coding change: c.2576G>C on transcript NM_002471.4 (MANE Select); coding-DNA position 2576, G replaced by C.
Protein change: p.Gly859Ala; replaces glycine 859 with alanine.
Molecular consequence: missense variant.
Genome position (GRCh38, 1-based): chr14:23,394,177, C>G on the plus strand (G>C on the coding strand, the complement: MYH6 is on the minus strand). VCF-style: chr14-23394177-C-G. GRCh37 (hg19) VCF-style: chr14-23863386-C-G.
Other names: short protein forms G859A.
Identifiers: ClinVar variation 537946 (VCV000537946.12), dbSNP rs779528748, ClinGen allele CA7115431.